The following is an entry in ClinVar:

NM_000059.4(BRCA2):c.3597C>T (p.Asp1199=)

Gene: BRCA2 (BRCA2 DNA repair associated; plus strand). Cytogenetic location: 13q13.1.
Variant type: single nucleotide variant.
Coding change: c.3597C>T on transcript NM_000059.4 (MANE Select); coding-DNA position 3597, C replaced by T.
Protein change: p.Asp1199=; no amino-acid change (aspartic acid 1199 retained).
Molecular consequence: synonymous variant.
Genome position (GRCh38, 1-based): chr13:32,337,952, C>T. VCF-style: chr13-32337952-C-T. GRCh37 (hg19) VCF-style: chr13-32912089-C-T.
Identifiers: ClinVar variation 427386 (VCV000427386.3), dbSNP rs192892005, ClinGen allele CA247505390.
Genomic context (GRCh38, chr13:32,337,952, plus strand): 5'-CAAGCAATTTGAAGGTACAGTTGAAATTAAACGGAAGTTTGCTGGCCTGTTGAAAAATGA[C>T]TGTAACAAAAGTGCTTCTGGTTATTTAACAGATGAAAATGAAGTGGGGTTTAGGGGCTTT-3'
Protein context (NP_000050.3, residues 1189-1209): KRKFAGLLKN[Asp1199=]CNKSASGYLT

ClinVar aggregate classification (germline): Likely benign (3 of 4 stars; one submission).

Conditions:
Breast-ovarian cancer, familial, susceptibility to, 2 (BROVCA2). Also called: BRCA2 Hereditary Breast and Ovarian Cancer. Identifiers: Orphanet 145, MedGen C2675520, MONDO:0012933, OMIM 612555. Disease mechanism: loss of function.

Allele frequency attached by ClinVar (database versions not stated): gnomAD exomes below 0.00001; gnomAD 0.00001; 1000 Genomes Project 30x 0.00016; 1000 Genomes Project 0.00020.
gnomAD v4.1: 3 of 1,613,994 alleles (0.00019%); highest among the groups gnomAD compares: East Asian, 0.0022%; no homozygotes.

Submission:

Evidence-based Network for the Interpretation of Germline Mutant Alleles (ENIGMA)
Classification: Likely benign for Breast-ovarian cancer, familial, susceptibility to, 2. Last evaluated: 2017-06-29. Review status: reviewed by expert panel. Criteria: ENIGMA BRCA1/2 Classification Criteria (2017-06-29). Collection method: curation. Allele origin: germline.
Comment: Synonymous substitution variant, with low bioinformatic likelihood to result in a splicing aberration (Splicing prior probability 0.02).